The following is an entry in ClinVar:

NM_201384.3(PLEC):c.699G>T (p.Thr233=)

Gene: PLEC (plectin; minus strand). Cytogenetic location: 8q24.3.
Variant type: single nucleotide variant.
Coding change: c.699G>T on transcript NM_201384.3 (MANE Select); coding-DNA position 699, G replaced by T.
Protein change: p.Thr233=; no amino-acid change (threonine 233 retained).
Molecular consequence: synonymous variant.
Genome position (GRCh38, 1-based): chr8:143,935,217, C>A on the plus strand (G>T on the coding strand, the complement: PLEC is on the minus strand). VCF-style: chr8-143935217-C-A. GRCh37 (hg19) VCF-style: chr8-145009385-C-A.
Other names: c.780G>T, p.Thr260= (NM_000445.5); c.657G>T, p.Thr219= (NM_201378.4); c.633G>T, p.Thr211= (NM_201379.3); c.1110G>T, p.Thr370= (NM_201380.4); c.603G>T, p.Thr201= (NM_201381.3); c.699G>T, p.Thr233= (NM_201382.4); c.711G>T, p.Thr237= (NM_201383.3).
Identifiers: ClinVar variation 721998 (VCV000721998.11), dbSNP rs1450900417, ClinGen allele CA463536684.

ClinVar aggregate classification (germline): Likely benign. Review status: criteria provided, multiple submitters, no conflicts (2 of 4 stars). 2 submissions from 2 submitters: Likely benign (2). Last evaluated 2026-04-01.

Conditions:
Epidermolysis bullosa simplex with nail dystrophy (EBS5D). Identifiers: MedGen C4225309, MONDO:0014661, OMIM 616487.
Epidermolysis bullosa simplex 5B, with muscular dystrophy (EBS5B). Also called: EPIDERMOLYSIS BULLOSA SIMPLEX AND LIMB-GIRDLE MUSCULAR DYSTROPHY; Epidermolysis bullosa simplex with muscular dystrophy. Identifiers: Orphanet 257, MedGen C2931072, MONDO:0009181, OMIM 226670.
Epidermolysis bullosa simplex, Ogna type (EBS5A). Also called: Pidermolysis bullosa simplex 5A, Ogna type; EPIDERMOLYSIS BULLOSA SIMPLEX 5A, OGNA TYPE. Identifiers: Orphanet 79401, MedGen C0432317, MONDO:0007555, OMIM 131950.
Autosomal recessive limb-girdle muscular dystrophy type 2Q (LGMDR17). Also called: MUSCULAR DYSTROPHY, LIMB-GIRDLE, AUTOSOMAL RECESSIVE 17. Identifiers: Orphanet 254361, MedGen C3150989, MONDO:0013390, OMIM 613723.
Epidermolysis bullosa simplex 5C, with pyloric atresia (EBS5C). Also called: PLEC-Related Epidermolysis Bullosa with Pyloric Atresia; Epidermolysis bullosa simplex with pyloric atresia; PLEC1-Related Epidermolysis Bullosa with Pyloric Atresia. Identifiers: Orphanet 158684, MedGen C2677349, MONDO:0012807, OMIM 612138.

Submissions (2):

CeGaT Center for Human Genetics Tuebingen
Classification: Likely benign. Last evaluated: 2026-04-01. Review status: criteria provided, single submitter. Criteria: CeGaT Center For Human Genetics Tuebingen Variant Classification Criteria Version 2. Collection method: clinical testing. Allele origin: germline. Affected: yes. Observed: 1 variant allele.
Comment: PLEC: PM2:Supporting, BP4, BP7

Labcorp Genetics (formerly Invitae), Labcorp
Classification: Likely benign for Autosomal recessive limb-girdle muscular dystrophy type 2Q; Epidermolysis bullosa simplex, Ogna type; Epidermolysis bullosa simplex with nail dystrophy; Epidermolysis bullosa simplex 5C, with pyloric atresia; Epidermolysis bullosa simplex 5B, with muscular dystrophy. Last evaluated: 2022-09-13. Review status: criteria provided, single submitter. Criteria: Invitae Variant Classification Sherloc (09022015). Collection method: clinical testing. Allele origin: germline.